The following is an entry in ClinVar:

NM_000169.3(GLA):c.160C>T (p.Leu54Phe)

Genes: GLA (galactosidase alpha; minus strand), RPL36A-HNRNPH2 (RPL36A-HNRNPH2 readthrough; plus strand). Cytogenetic location: Xq22.1.
Variant type: single nucleotide variant.
Coding change: c.160C>T on transcript NM_000169.3 (MANE Select); coding-DNA position 160, C replaced by T.
Protein change: p.Leu54Phe; replaces leucine 54 with phenylalanine.
Molecular consequence: missense variant. On other transcripts: non-coding transcript variant (3), intron variant (2).
Genome position (GRCh38, 1-based): chrX:101,407,744, G>A on the plus strand (C>T on the coding strand, the complement: GLA is on the minus strand). VCF-style: chrX-101407744-G-A. GRCh37 (hg19) VCF-style: chrX-100662732-G-A.
Other names: c.160C>T, p.Leu54Phe (NM_001406747.1, NM_001406748.1, NM_001406749.1); c.301-4192G>A (NM_001199973.2); c.178-4192G>A (NM_001199974.2); short protein forms L54F.
Identifiers: ClinVar variation 4087288 (VCV004087288.2).
Genomic context (GRCh38, chrX:101,407,744, plus strand): 5'-GGAAGGGAGTACCCAATATCTGATACCTGATGCAGGAATCTGGCTCTTCCTGGCAGTCAA[G>A]GTTGCACATGAAGCGCTCCCAGTGCAGCCAGCCCATGGTAGGCGTCCTTGCCAATCCATT-3'
Protein context (NP_000160.1, residues 44-64): WLHWERFMCN[Leu54Phe]DCQEEPDSCI

ClinVar aggregate classification (germline): Likely pathogenic (1 of 4 stars; one submission).

Conditions:
Fabry disease. Also called: ALPHA-GALACTOSIDASE A DEFICIENCY; ANDERSON-FABRY DISEASE; CERAMIDE TRIHEXOSIDASE DEFICIENCY; GLA DEFICIENCY; HEREDITARY DYSTOPIC LIPIDOSIS; Angiokeratoma corporis diffusum. Identifiers: Orphanet 324, MedGen C0002986, MONDO:0010526, OMIM 301500, HP:0001071. Disease mechanism: Fabry disease is due to inactivating mutations in the X-linked GLA gene resulting in deficiency of the enzyme Alpha Galactosidase-A., loss of function.

Submission:

Genomenon, Inc
Classification: Likely pathogenic for Fabry disease. Last evaluated: 2026-09-08. Review status: criteria provided, single submitter. Criteria: Genomenon Sequence Variant Interpretation Standards - Updated. Collection method: curation. Allele origin: germline. Affected: yes.
Comment: GLA p.Leu54Phe (c.160C>T) is a missense variant that changes the amino acid at codon 54 from Leucine to Phenylalanine. This variant has been observed in at least one proband with clinical features consistent with Fabry disease (PMID:30116053;33906135;30739116;40722783). The variant was found to segregate with disease in at least one affected family (PMID:30739116). This variant is located in a mutational hotspot and/or important functional domain. It is absent or not present at a significant frequency in gnomAD. In conclusion, we classify GLA p.Leu54Phe (c.160C>T) as a likely pathogenic variant.

Literature cited by the submitters: PubMed 30116053; PubMed 33906135; PubMed 30739116; PubMed 40722783.